The following is an entry in ClinVar:

ClinVar aggregate classification (germline): Pathogenic (1 of 4 stars; one submission).

Conditions:
Kabuki syndrome 1 (KABUK1). Also called: KMT2D-Related Kabuki Syndrome. Identifiers: Orphanet 2322, MedGen CN030661, MONDO:0007843, OMIM 147920.

Submission:

Rady Children's Institute for Genomic Medicine, Rady Children's Hospital San Diego
Classification: Pathogenic for KABUKI SYNDROME 1. Review status: criteria provided, single submitter. Criteria: ACMG Guidelines, 2015. Collection method: clinical testing. Allele origin: germline. Affected: yes.
Comment: This frameshifting variant in exon 11 of 54 introduces a premature stop codon and is therefore predicted to result in loss of normal protein function through either protein truncation or nonsense-mediated mRNA decay (NMD). This variant has not been previously reported or functionally characterized in the literature to our knowledge. It is absent from the gnomAD population database and thus is presumed to be rare. Analysis of the parental samples was negative for the variant, indicating this variant likely occurred as a de novo event. Based on the available evidence, the c.2871dup (p.Glu958ArgfsTer11) variant is classified as Pathogenic.

NM_003482.4(KMT2D):c.2871dup (p.Glu958fs)

Gene: KMT2D (lysine methyltransferase 2D; minus strand). Cytogenetic location: 12q13.12.
Variant type: Duplication.
Coding change: c.2871dup on transcript NM_003482.4 (MANE Select); coding-DNA position 2871, one base duplicated (A; older notation c.2871dupA).
Protein change: p.Glu958fs; shifts the reading frame from glutamic acid 958.
Molecular consequence: frameshift variant.
Genome position (GRCh38, 1-based): chr12:49,050,717, T duplicated on the plus strand (A on the coding strand, the reverse complement: KMT2D is on the minus strand). VCF-style (leftmost placement, unchanged base first): chr12-49050716-C-CT. GRCh37 (hg19) VCF-style: chr12-49444499-C-CT.
Other names: short protein forms E958fs.
Identifiers: ClinVar variation 2584474 (VCV002584474.1), dbSNP rs2498448763, ClinGen allele CA2582342501.